The following is an entry in ClinVar:

ClinVar aggregate classification (germline): Pathogenic. Review status: criteria provided, multiple submitters, no conflicts (2 of 4 stars). 18 submissions from 18 submitters: Pathogenic (16). 2 of the submissions do not count toward it. Last evaluated 2026-09-01.

Conditions:
PTPN11-related disorder. Also called: PTPN11-Related Disorders.
Noonan syndrome and Noonan-related syndrome. Identifiers: Orphanet 98733, MedGen C5681679, MONDO:0020297.
Noonan syndrome (NS). Also called: Noonan's syndrome. Identifiers: Orphanet 648, MedGen C0028326, MeSH D009634, MONDO:0018997. Disease mechanism: gain of function.
RASopathy. Also called: rasopathies; Noonan spectrum disorder. Identifiers: Orphanet 536391, MedGen C5555857, MONDO:0021060.
Noonan syndrome 1 (NS1). Also called: FEMALE PSEUDO-TURNER SYNDROME; TURNER PHENOTYPE WITH NORMAL KARYOTYPE; PTPN11-Related Noonan Syndrome. Identifiers: Orphanet 648, MedGen C4551602, MONDO:0008104, OMIM 163950. Disease mechanism: gain of function.

Submissions 1 to 10 of 18:

PreventionGenetics, part of Exact Sciences
Classification: Pathogenic for PTPN11-related condition. Last evaluated: 2026-09-01. Review status: criteria provided, single submitter. Criteria: ACMG Guidelines, 2015. Collection method: clinical testing. Allele origin: germline.
Comment: The PTPN11 c.317A>C variant is predicted to result in the amino acid substitution p.Asp106Ala. This variant has been reported in the heterozygous state in many unrelated individuals with Noonan syndrome (see, for example, Tartaglia et al. 2002. PubMed ID: 11992261; Tartaglia et al. 2005. PubMed ID: 16358218; Bertola et al. 2006. PubMed ID: 17020470; Leach et al. 2018. PubMed ID: 29907801; Athota et al. 2020. PubMed ID: 32164556). Functional studies found this variant results in only slightly increased basal activity; however, upon stimulation by Tyr(P) peptide is more potently stimulated than normal PTPN11 (Keilhack et al. 2005. PubMed ID: 15987685). This variant has not been reported in a large population database (gnomAD), indicating this variant is rare. This variant is interpreted as pathogenic.

Women's Health and Genetics/Laboratory Corporation of America, LabCorp
Classification: Pathogenic for Noonan syndrome. Last evaluated: 2026-04-20. Review status: criteria provided, single submitter. Criteria: LabCorp Variant Classification Summary - May 2015. Collection method: clinical testing. Allele origin: germline.
Comment: Variant summary: PTPN11 c.317A>C (p.Asp106Ala) results in a non-conservative amino acid change in the encoded protein sequence. Algorithms developed to predict the effect of missense changes on protein structure and function all suggest that this variant is likely to be disruptive. The variant was absent in 251560 control chromosomes. c.317A>C has been observed in multiple individuals affected with Noonan Syndrome (e.g. Tartaglia_2002, Hung_2007, Bertola_2006, Sarkozy_2003). These data indicate that the variant is very likely to be associated with disease. One publication reports experimental evidence evaluating an impact on protein function, and shows an impact on protein function (e.g Keilhack_2005). The following publications have been ascertained in the context of this evaluation (PMID: 15385933, 14644997, 12717436, 17020470, 17339163, 15987685, 12960218, 25097206, 19047918, 19179468, 17972951, 15710330, 25395418, 27276561, 32561839). ClinVar contains an entry for this variant (Variation ID: 40506). Based on the evidence outlined above, the variant was classified as pathogenic.

Labcorp Genetics (formerly Invitae), Labcorp
Classification: Pathogenic for RASopathy. Last evaluated: 2026-01-29. Review status: criteria provided, single submitter. Criteria: Invitae Variant Classification Sherloc (09022015). Collection method: clinical testing. Allele origin: germline.
Comment: This sequence change replaces aspartic acid, which is acidic and polar, with alanine, which is neutral and non-polar, at codon 106 of the PTPN11 protein (p.Asp106Ala). This variant is not present in population databases (gnomAD no frequency). This missense change has been observed in individuals with Noonan syndrome (PMID: 12717436, 18470943). ClinVar contains an entry for this variant (Variation ID: 40506). Invitae Evidence Modeling incorporating data from in vitro experimental studies (internal data) indicates that this missense variant is expected to disrupt PTPN11 function with a positive predictive value of 95%. Experimental studies have shown that this missense change affects PTPN11 function (PMID: 15987685, 18286234). For these reasons, this variant has been classified as Pathogenic.

Dasa
Classification: Pathogenic. Last evaluated: 2025-10-31. Review status: criteria provided, single submitter. Criteria: DASA Assertion Criteria. Collection method: clinical testing. Allele origin: germline.
Comment: NM_002834.5(PTPN11):c.317A>C (p.Asp106Ala) is a missense variant that results in the substitution of aspartic acid with alanine. Functional evidence supports a deleterious effect on the gene or gene product (PMID: 15987685; PMID: 18286234; PMID: 18470943; PMID: 32164556; PMID: 31292302). This variant has been recurrently observed in individuals with related phenotype (PMID: 15987685; PMID: 18286234; PMID: 18470943; PMID: 32164556; PMID: 31292302). Multiple computational predictions support a deleterious effect on the gene or gene product. The variant is present at low frequency in population datasets. Based on the available data, this variant is classified as pathogenic.

Laboratory of Genetics, Children's Clinical University Hospital Latvia
Classification: Pathogenic. Last evaluated: 2025-02-16. Review status: criteria provided, single submitter. Criteria: ACMG Guidelines, 2015. Collection method: clinical testing. Allele origin: germline. Affected: yes.

GeneDx
Classification: Pathogenic. Last evaluated: 2024-03-04. Review status: criteria provided, single submitter. Criteria: GeneDx Variant Classification Process June 2021. Collection method: clinical testing. Allele origin: germline. Affected: yes.
Comment: Common missense variant in PTPN11, observed in 2-5% of patients with Noonan syndrome with or without multiple giant-cell lesions (PMID: 18470943, 12717436, 17020470, 16358218, 17339163, 16990350, 19077116, 21204800, 33318624, 11992261); Not observed at significant frequency in large population cohorts (gnomAD); Located in the linker region between the NSH2 and C-SH2 domains of the SHP-2 protein encoded by PTPN11 (PMID: 15987685); Missense variants in this gene are a common cause of disease and they are underrepresented in the general population; In silico analysis supports that this missense variant has a deleterious effect on protein structure/function; This variant is associated with the following publications: (PMID: 21204800, 22848035, 28607217, 22420426, 19737548, 16208280, 23584145, 18854871, 31292302, 34930662, 24803665, 19835954, 19077116, 16990350, 17339163, 16358218, 12960218, 23624134, 24451042, 21590266, 25862627, 12717436, 16053901, 17020470, 22488759, 26124496, 30050098, 30410095, 29907801, 32164556, 18286234, 33318624, 29493581, 18470943, 11992261, 36588761, 15987685, 16987887)

Blueprint Genetics
Classification: Pathogenic for PTPN11-related disorders. Last evaluated: 2023-12-13. Review status: criteria provided, single submitter. Criteria: ACMG Guidelines, 2015. Collection method: clinical testing. Allele origin: germline. Affected: yes. Observed: 5 variant alleles.

Department of Human Genetics, Hannover Medical School
Classification: Pathogenic for Noonan syndrome 1. Last evaluated: 2021-12-06. Review status: criteria provided, single submitter. Criteria: ACMG Guidelines, 2015. Collection method: clinical testing. Allele origin: de novo. Inheritance: Autosomal dominant inheritance. Affected: yes.

New York Genome Center
Classification: Pathogenic for RASopathy. Last evaluated: 2021-09-26. Review status: criteria provided, single submitter. Criteria: NYGC Assertion Criteria 2020. Collection method: clinical testing. Allele origin: inherited. Affected: yes. Observed: 1 heterozygote. Study: CSER-NYCKidSeq.
Comment: The inherited heterozygous missense variant c.317A>C (p.Asp106Ala) identified in exon 3 (of 16) of the PTPN11 gene is a known pathogenic variant that has been reported in multiple unrelated individuals affected with Noonan spectrum disorders (PMID: 32164556, 17339163, 29907801, 19077116,16990350, 21204800, 11992261). This variant is reported as Pathogenic in the ClinVar database by multiple independent laboratories (Variation ID:40506). This variant is absent from gnomAD(v3) database suggesting it is not a common benign variant in the populations represented in that database. In vitro functional analyses suggest that this variant (located in the linker region between the NSH2 and C-SH2 domains of the PTPN11 protein) results in an increased activity due to misfolding of the inter-SH2 domain linker (PMID:15987685, 18286234). Based on the available evidence, the inherited heterozygous c.317A>C (p.Asp106Ala) variant identified in the PTPN11 gene is reported as Pathogenic.

HudsonAlpha Institute for Biotechnology
Classification: Pathogenic for Noonan syndrome 1. Last evaluated: 2020-07-09. Review status: criteria provided, single submitter. Criteria: ACMG Guidelines, 2015. Collection method: research. Allele origin: maternal. Affected: yes. Observed: 1 variant allele. Study: CSER-SouthSeq.
Comment: ACMG codes:PS3; PS4; PM1; PM2; PP2; PP3

NM_002834.5(PTPN11):c.317A>C (p.Asp106Ala)

Gene: PTPN11 (protein tyrosine phosphatase non-receptor type 11; plus strand). Cytogenetic location: 12q24.13.
Variant type: single nucleotide variant.
Coding change: c.317A>C on transcript NM_002834.5 (MANE Select); coding-DNA position 317, A replaced by C.
Protein change: p.Asp106Ala; replaces aspartic acid 106 with alanine.
Molecular consequence: missense variant.
Genome position (GRCh38, 1-based): chr12:112,450,497, A>C. VCF-style: chr12-112450497-A-C. GRCh37 (hg19) VCF-style: chr12-112888301-A-C.
Other names: p.D106A:GAT>GCT; c.317A>C, p.Asp106Ala (NM_001330437.2, NM_080601.3); c.314A>C, p.Asp105Ala (NM_001374625.1); short protein forms D106A, D105A.
Identifiers: ClinVar variation 40506 (VCV000040506.39), dbSNP rs397507517, ClinGen allele CA261584.